The following is an entry in ClinVar:

NM_001376.5(DYNC1H1):c.5337C>G (p.His1779Gln)

Gene: DYNC1H1 (dynein cytoplasmic 1 heavy chain 1; plus strand). Cytogenetic location: 14q32.31.
Variant type: single nucleotide variant.
Coding change: c.5337C>G on transcript NM_001376.5 (MANE Select); coding-DNA position 5337, C replaced by G.
Protein change: p.His1779Gln; replaces histidine 1779 with glutamine.
Molecular consequence: missense variant.
Genome position (GRCh38, 1-based): chr14:102,005,140, C>G. VCF-style: chr14-102005140-C-G. GRCh37 (hg19) VCF-style: chr14-102471477-C-G.
Other names: short protein forms H1779Q.
Identifiers: ClinVar variation 4690282 (VCV004690282.1).

ClinVar aggregate classification (germline): Likely benign (1 of 4 stars; one submission).

Conditions:
Charcot-Marie-Tooth disease axonal type 2O. Also called: CHARCOT-MARIE-TOOTH DISEASE, AXONAL, AUTOSOMAL DOMINANT, TYPE 2O; CHARCOT-MARIE-TOOTH NEUROPATHY, AXONAL, TYPE 2O; Charcot-Marie-Tooth Neuropathy Type 2O; Charcot-Marie-Tooth disease, axonal, type 20. Identifiers: Orphanet 284232, MedGen C3280220, MONDO:0013644, OMIM 614228.

gnomAD v4.1: 1 of 1,614,198 alleles (0.000062%); no homozygotes.

Submission:

Centre for Medical Genetics,  Mumbai
Classification: Likely benign for Charcot-Marie-Tooth disease axonal type 2O. Last evaluated: 2026-01-31. Review status: criteria provided, single submitter. Criteria: ACMG Guidelines, 2015. Collection method: provider interpretation. Allele origin: germline. Inheritance: Autosomal dominant inheritance. Affected: no.
Comment: The variant satisfies PM2 criteria; Extremely low frequency in gnomAD population databases. The variant satisfies PP2 criteria; Missense variant in a gene with low rate of benign missense mutations and for which missense mutation is a common mechanism of a disease. The variant satisfies BP4 criteria; For a missense or a splice region variant, computational prediction tools unanimously support a benign effect on the gene. However, the variant satisfies BS2 criteria.

Literature cited by the submitters: PubMed 21820100.